The following is an entry in ClinVar:

ClinVar aggregate classification (germline): Benign/Likely benign. Review status: criteria provided, multiple submitters, no conflicts (2 of 4 stars). 2 submissions from 2 submitters: Benign (1); Likely benign (1). Last evaluated 2024-11-05.

Conditions:
PPP1R12A-related disorder. Also called: PPP1R12A-related condition.

Allele frequency attached by ClinVar (database versions not stated): ExAC 0.00026; 1000 Genomes Project 0.00040; 1000 Genomes Project 30x 0.00047; gnomAD 0.00089; ESP Exome Variant Server 0.00092; TOPMed 0.00107.
gnomAD v4.1: 249 of 1,613,584 alleles (0.015%); highest among the groups gnomAD compares: African/African-American, 0.29%; 3 homozygotes.

Submissions (2):

PreventionGenetics, part of Exact Sciences
Classification: Likely benign for PPP1R12A-related condition. Last evaluated: 2024-11-05. Review status: criteria provided, single submitter. Criteria: ACMG Guidelines, 2015. Collection method: clinical testing. Allele origin: germline.
Comment: This variant is classified as likely benign based on ACMG/AMP sequence variant interpretation guidelines (Richards et al. 2015 PMID: 25741868, with internal and published modifications).

Labcorp Genetics (formerly Invitae), Labcorp
Classification: Benign. Last evaluated: 2024-10-29. Review status: criteria provided, single submitter. Criteria: Invitae Variant Classification Sherloc (09022015). Collection method: clinical testing. Allele origin: germline.

NM_002480.3(PPP1R12A):c.1050G>A (p.Lys350=)

Gene: PPP1R12A (protein phosphatase 1 regulatory subunit 12A; minus strand). Cytogenetic location: 12q21.2.
Variant type: single nucleotide variant.
Coding change: c.1050G>A on transcript NM_002480.3 (MANE Select); coding-DNA position 1050, G replaced by A.
Protein change: p.Lys350=; no amino-acid change (lysine 350 retained).
Molecular consequence: synonymous variant.
Genome position (GRCh38, 1-based): chr12:79,820,838, C>T on the plus strand (G>A on the coding strand, the complement: PPP1R12A is on the minus strand). VCF-style: chr12-79820838-C-T. GRCh37 (hg19) VCF-style: chr12-80214618-C-T.
Other names: c.1050G>A (NM_002480.2); c.1050G>A, p.Lys350= (NM_001244992.1, NM_001143885.2, NM_001244990.2); c.789G>A, p.Lys263= (NM_001143886.2).
Identifiers: ClinVar variation 2715817 (VCV002715817.4), dbSNP rs182401823, ClinGen allele CA6699763.